The following is an entry in ClinVar:

NM_001267550.2(TTN):c.79368_79369del (p.Glu26456_Tyr26457insTer)

Genes: TTN (titin; minus strand), TTN-AS1 (TTN antisense RNA 1; plus strand). Cytogenetic location: 2q31.2.
Variant type: Deletion.
Coding change: c.79368_79369del on transcript NM_001267550.2 (MANE Select); coding-DNA positions 79368 to 79369, 2 bases deleted (GT; older notation c.79368_79369delGT).
Protein change: p.Glu26456_Tyr26457insTer.
Molecular consequence: frameshift variant.
Genome position (GRCh38, 1-based): chr2:178,566,763-178,566,764, AC deleted on the plus strand (GT on the coding strand, the reverse complement: TTN is on the minus strand). VCF-style (leftmost placement, unchanged base first): chr2-178566762-TAC-T. GRCh37 (hg19) VCF-style: chr2-179431489-TAC-T.
Other names: c.74445_74446del, p.Glu24815_Tyr24816insTer (NM_001256850.1); c.52173_52174del, p.Glu17391_Tyr17392insTer (NM_003319.4); c.71664_71665del, p.Glu23888_Tyr23889insTer (NM_133378.4); c.52548_52549del, p.Glu17516_Tyr17517insTer (NM_133432.3); c.52749_52750del, p.Glu17583_Tyr17584insTer (NM_133437.4).
Identifiers: ClinVar variation 1999790 (VCV001999790.4), dbSNP rs2468298449, ClinGen allele CA2580064603.

ClinVar aggregate classification (germline): Likely pathogenic (1 of 4 stars; one submission).

Conditions:
Dilated cardiomyopathy 1G (CMD1G). Identifiers: Orphanet 154, MedGen C1858763, MONDO:0011400, OMIM 604145.
Autosomal recessive limb-girdle muscular dystrophy type 2J (LGMDR10). Also called: Limb-girdle muscular dystrophy, type 2J; MUSCULAR DYSTROPHY, LIMB-GIRDLE, AUTOSOMAL RECESSIVE 10. Identifiers: Orphanet 140922, MedGen C1837342, MONDO:0012127, OMIM 608807.

Submission:

Labcorp Genetics (formerly Invitae), Labcorp
Classification: Likely pathogenic for Dilated cardiomyopathy 1G; Autosomal recessive limb-girdle muscular dystrophy type 2J. Last evaluated: 2021-11-26. Review status: criteria provided, single submitter. Criteria: Invitae Variant Classification Sherloc (09022015). Collection method: clinical testing. Allele origin: germline.
Comment: This sequence change creates a premature translational stop signal (p.Tyr26457*) in the TTN gene. While this is not anticipated to result in nonsense mediated decay, it is expected to create a truncated TTN protein. This variant is not present in population databases (gnomAD no frequency). This variant has not been reported in the literature in individuals affected with TTN-related conditions. This variant is located in the A band of TTN (PMID: 25589632). Truncating variants in this region are significantly overrepresented in patients affected with dilated cardiomyopathy (PMID: 25589632). Truncating variants in this region have also been reported in individuals affected with autosomal recessive centronuclear myopathy (PMID: 23975875). In summary, the currently available evidence indicates that the variant is pathogenic, but additional data are needed to prove that conclusively. Therefore, this variant has been classified as Likely Pathogenic.

Literature cited by the submitters: PubMed 25589632; PubMed 23975875.